The following is an entry in ClinVar:

NM_007294.4(BRCA1):c.1330del (p.Ser444fs)

Gene: BRCA1 (BRCA1 DNA repair associated; minus strand). Cytogenetic location: 17q21.31.
Variant type: Deletion.
Coding change: c.1330del on transcript NM_007294.4 (MANE Select); coding-DNA position 1330, one base deleted (A; older notation c.1330delA).
Protein change: p.Ser444fs; shifts the reading frame from serine 444.
Molecular consequence: frameshift variant. On other transcripts: intron variant (137).
Genome position (GRCh38, 1-based): chr17:43,094,201, T deleted on the plus strand (A on the coding strand, the reverse complement: BRCA1 is on the minus strand); the first of 4 consecutive T bases (chr17:43,094,201-43,094,204); deleting any one gives the same sequence. VCF-style (leftmost placement, unchanged base first): chr17-43094200-CT-C. GRCh37 (hg19) VCF-style: chr17-41246217-CT-C.
Other names: c.1186del, p.Ser396fs (NM_001407745.1, NM_001407746.1, NM_001407747.1 and 20 more transcripts); c.1189del, p.Ser397fs (NM_001407750.1, NM_001407751.1, NM_001407752.1 and 29 more transcripts); c.1126del, p.Ser376fs (NM_001407874.1, NM_001407875.1); c.1117del, p.Ser373fs (NM_001407853.1, NM_001407571.1, NM_001407894.1 and 9 more transcripts); c.1330del, p.Ser444fs (NM_001407854.1, NM_001407858.1, NM_001407859.1 and 30 more transcripts); c.1327del, p.Ser443fs (NM_001407860.1, NM_001407861.1, NM_001407587.1 and 22 more transcripts); c.1129del, p.Ser377fs (NM_001407862.1); c.1207del, p.Ser403fs (NM_001407863.1, NM_001407648.1, NM_001407664.1 and 19 more transcripts); and 41 more; short protein forms S397fs, S444fs, S356fs, S377fs, S418fs, S441fs, S355fs, S373fs.
Identifiers: ClinVar variation 941345 (VCV000941345.9), dbSNP rs2053956161, ClinGen allele CA1139664795.

ClinVar aggregate classification (germline): Pathogenic (1 of 4 stars; one submission).

Conditions:
Hereditary breast ovarian cancer syndrome. Also called: Hereditary breast and/or ovarian cancer syndrome; Hereditary breast and ovarian cancer syndrome; Hereditary breast and ovarian cancer; Hereditary breast and ovarian cancer syndrome (HBOC); Breast and ovarian cancer; BRCA1- and BRCA2-Associated Hereditary Breast and Ovarian Cancer. Identifiers: Orphanet 145, MedGen C0677776, MeSH D061325, MONDO:0003582. Disease mechanism: loss of function.

Submission:

Labcorp Genetics (formerly Invitae), Labcorp
Classification: Pathogenic for Hereditary breast ovarian cancer syndrome. Last evaluated: 2019-10-01. Review status: criteria provided, single submitter. Criteria: Invitae Variant Classification Sherloc (09022015). Collection method: clinical testing. Allele origin: germline.
Comment: This variant has not been reported in the literature in individuals with BRCA1-related conditions. This variant is not present in population databases (ExAC no frequency). This sequence change creates a premature translational stop signal (p.Ser444Valfs*9) in the BRCA1 gene. It is expected to result in an absent or disrupted protein product. Loss-of-function variants in BRCA1 are known to be pathogenic (PMID: 20104584). For these reasons, this variant has been classified as Pathogenic.

Literature cited by the submitters: PubMed 20104584.